The following is an entry in ClinVar:

ClinVar aggregate classification (germline): Pathogenic (1 of 4 stars; one submission).

Conditions:
3-methylglutaconic aciduria type 1 (MGCA1). Identifiers: Orphanet 67046, MedGen C0342727, MONDO:0009610, OMIM 250950.

Submission:

3billion
Classification: Pathogenic for 3-methylglutaconic aciduria type 1. Last evaluated: 2022-01-03. Review status: criteria provided, single submitter. Criteria: ACMG Guidelines, 2015. Collection method: clinical testing. Allele origin: germline. Affected: yes. Observed: 1 homozygote.
Comment: Canonical splice site: predicted to alter splicing and result in a loss or disruption of normal protein function through protein truncation. Multiple pathogenic variants are reported in the predicted truncated region (PVS1_VS). It is not observed in the gnomAD v2.1.1 dataset (PM2_M).Therefore, this variant is classified as pathogenic according to the recommendation of ACMG/AMP guideline. Patient’s phenotype is considered compatible with AUH-related disorder (PP4_P). Therefore, this variant is classified as pathogenic according to the recommendation of ACMG/AMP guideline.

NM_001698.3(AUH):c.330+1G>A

Gene: AUH (AU RNA binding methylglutaconyl-CoA hydratase; minus strand). Cytogenetic location: 9q22.31.
Variant type: single nucleotide variant.
Coding change: c.330+1G>A on transcript NM_001698.3 (MANE Select); the canonical splice donor site of the intron after coding-DNA position 330, G replaced by A.
Molecular consequence: splice donor variant.
Genome position (GRCh38, 1-based): chr9:91,356,087, C>T on the plus strand (G>A on the coding strand, the complement: AUH is on the minus strand). VCF-style: chr9-91356087-C-T. GRCh37 (hg19) VCF-style: chr9-94118369-C-T.
Other names: c.330+1G>A (NM_001306190.2); c.3+1G>A (NM_001351433.2, NM_001351431.2, NM_001351432.2).
Identifiers: ClinVar variation 1333620 (VCV001333620.1), dbSNP rs751318305, ClinGen allele CA195930576.